The following is an entry in ClinVar:

ClinVar aggregate classification (germline): Uncertain significance. Review status: criteria provided, multiple submitters, no conflicts (2 of 4 stars). 2 submissions from 2 submitters: Uncertain significance (2). Last evaluated 2022-08-05.

Conditions:
Developmental and epileptic encephalopathy 94 (DEE94). Also called: Epileptic encephalopathy, childhood-onset; CHD2-Related Neurodevelopmental Disorders. Identifiers: Orphanet 1942, Orphanet 2382, MedGen C3809278, MONDO:0014150, OMIM 615369.
Inborn genetic diseases. Identifiers: MedGen C0950123, MeSH D030342.

Allele frequency attached by ClinVar (database versions not stated): TOPMed below 0.00001; gnomAD 0.00001.
gnomAD v4.1: 8 of 1,613,146 alleles (0.0005%); highest among the groups gnomAD compares: Non-Finnish European, 0.00068%; no homozygotes.

Submissions (2):

Labcorp Genetics (formerly Invitae), Labcorp
Classification: Uncertain significance for Developmental and epileptic encephalopathy 94. Last evaluated: 2022-08-05. Review status: criteria provided, single submitter. Criteria: Invitae Variant Classification Sherloc (09022015). Collection method: clinical testing. Allele origin: germline.
Comment: This sequence change replaces arginine, which is basic and polar, with cysteine, which is neutral and slightly polar, at codon 836 of the CHD2 protein (p.Arg836Cys). This variant is not present in population databases (gnomAD no frequency). This variant has not been reported in the literature in individuals affected with CHD2-related conditions. ClinVar contains an entry for this variant (Variation ID: 590200). Algorithms developed to predict the effect of missense changes on protein structure and function (SIFT, PolyPhen-2, Align-GVGD) all suggest that this variant is likely to be disruptive. In summary, the available evidence is currently insufficient to determine the role of this variant in disease. Therefore, it has been classified as a Variant of Uncertain Significance.

Ambry Genetics
Classification: Uncertain significance for Inborn genetic diseases. Last evaluated: 2017-05-25. Review status: criteria provided, single submitter. Criteria: Ambry Variant Classification Scheme 2023. Collection method: clinical testing. Allele origin: germline.
Comment: The p.R836C variant (also known as c.2506C>T) is located in coding exon 19 of the CHD2 gene. The arginine at codon 836 is replaced by cysteine, an amino acid with highly dissimilar properties. This change occurs in the first base pair of coding exon 19. This amino acid position is highly conserved in available vertebrate species. In addition, this alteration is predicted to be deleterious by in silico analysis. Since supporting evidence is limited at this time, the clinical significance of this alteration remains unclear.

NM_001271.4(CHD2):c.2506C>T (p.Arg836Cys)

Gene: CHD2 (chromodomain helicase DNA binding protein 2; plus strand). Cytogenetic location: 15q26.1.
Variant type: single nucleotide variant.
Coding change: c.2506C>T on transcript NM_001271.4 (MANE Select); coding-DNA position 2506, C replaced by T.
Protein change: p.Arg836Cys; replaces arginine 836 with cysteine.
Molecular consequence: missense variant.
Genome position (GRCh38, 1-based): chr15:92,974,879, C>T. VCF-style: chr15-92974879-C-T. GRCh37 (hg19) VCF-style: chr15-93518109-C-T.
Other names: short protein forms R836C.
Identifiers: ClinVar variation 590200 (VCV000590200.10), dbSNP rs1567148426, ClinGen allele CA393893473.